The following is an entry in ClinVar:

ClinVar aggregate classification (germline): Conflicting classifications of pathogenicity. Review status: criteria provided, conflicting classifications (1 of 4 stars). 5 submissions from 5 submitters: Pathogenic (1); Likely pathogenic (1); Uncertain significance (3). Last evaluated 2026-01-05.

Conditions:
Inborn genetic diseases. Identifiers: MedGen C0950123, MeSH D030342.
Retinitis pigmentosa (RP). Identifiers: Orphanet 791, MedGen C0035334, MeSH D012174, MONDO:0019200, OMIM 268000. Inheritance: Autosomal dominant, autosomal recessive and X linked inheritance.
PDE6B-related disorder. Also called: PDE6B-related disorders; PDE6B-related disease; PDE6B-related condition.

Allele frequency attached by ClinVar (database versions not stated): gnomAD 0.00002; TOPMed 0.00002; gnomAD exomes 0.00004; ExAC 0.00006; ESP Exome Variant Server 0.00015.
gnomAD v4.1: 69 of 1,611,486 alleles (0.0043%); highest among the groups gnomAD compares: Non-Finnish European, 0.0056%; no homozygotes.

Submissions (5):

Labcorp Genetics (formerly Invitae), Labcorp
Classification: Uncertain significance. Last evaluated: 2026-01-05. Review status: criteria provided, single submitter. Criteria: Invitae Variant Classification Sherloc (09022015). Collection method: clinical testing. Allele origin: germline.
Comment: This sequence change replaces arginine, which is basic and polar, with glycine, which is neutral and non-polar, at codon 627 of the PDE6B protein (p.Arg627Gly). This variant is present in population databases (rs371911345, gnomAD 0.008%). This missense change has been observed in individual(s) with clinical features of PDE6B-related conditions (PMID: 32483926, 32531858, 39676705). ClinVar contains an entry for this variant (Variation ID: 813065). Invitae Evidence Modeling of protein sequence and biophysical properties (such as structural, functional, and spatial information, amino acid conservation, physicochemical variation, residue mobility, and thermodynamic stability) indicates that this missense variant is expected to disrupt PDE6B protein function with a positive predictive value of 95%. In summary, the available evidence is currently insufficient to determine the role of this variant in disease. Therefore, it has been classified as a Variant of Uncertain Significance.

PreventionGenetics, part of Exact Sciences
Classification: Uncertain significance for PDE6B-related condition. Last evaluated: 2025-12-11. Review status: criteria provided, single submitter. Criteria: ACMG Guidelines, 2015. Collection method: clinical testing. Allele origin: germline.
Comment: The PDE6B c.1879C>G variant is predicted to result in the amino acid substitution p.Arg627Gly. This variant has been reported in an individual with retinitis pigmentosa (Table S3, Weisschuh et al. 2020. PubMed ID: 32531858). However, no second variant was identified and the case was considered unsolved. This variant is reported in 0.0070% of alleles in individuals of European (Non-Finnish) descent in gnomAD. At this time, the clinical significance of this variant is uncertain due to the absence of conclusive functional and genetic evidence.

Blueprint Genetics
Classification: Likely pathogenic for PDE6B-related disorders. Last evaluated: 2024-06-21. Review status: criteria provided, single submitter. Criteria: ACMG Guidelines, 2015. Collection method: clinical testing. Allele origin: germline. Affected: yes. Observed: 5 variant alleles.

Ambry Genetics
Classification: Uncertain significance for Inborn genetic diseases. Last evaluated: 2021-08-13. Review status: criteria provided, single submitter. Criteria: Ambry Variant Classification Scheme 2023. Collection method: clinical testing. Allele origin: germline.

Molecular Genetics Laboratory, Institute for Ophthalmic Research
Classification: Pathogenic for Retinitis pigmentosa. Last evaluated: 2020-01-09. Review status: criteria provided, single submitter. Criteria: ACMG Guidelines, 2015. Collection method: research. Allele origin: germline. Affected: yes.

Literature cited by the submitters: PubMed 32483926 (cited by Labcorp Genetics (formerly Invitae), Labcorp); PubMed 32531858 (cited by Labcorp Genetics (formerly Invitae), Labcorp); PubMed 39676705 (cited by Labcorp Genetics (formerly Invitae), Labcorp).

NM_000283.4(PDE6B):c.1879C>G (p.Arg627Gly)

Gene: PDE6B (phosphodiesterase 6B; plus strand). Cytogenetic location: 4p16.3.
Variant type: single nucleotide variant.
Coding change: c.1879C>G on transcript NM_000283.4 (MANE Select); coding-DNA position 1879, C replaced by G.
Protein change: p.Arg627Gly; replaces arginine 627 with glycine.
Molecular consequence: missense variant.
Genome position (GRCh38, 1-based): chr4:663,146, C>G. VCF-style: chr4-663146-C-G. GRCh37 (hg19) VCF-style: chr4-656935-C-G.
Other names: c.1879C>G, p.Arg627Gly (NM_001145291.2); c.1042C>G, p.Arg348Gly (NM_001145292.2, NM_001350154.3, NM_001379246.1 and 1 more transcripts); c.724C>G, p.Arg242Gly (NM_001350155.3); short protein forms R242G, R627G, R348G.
Identifiers: ClinVar variation 813065 (VCV000813065.13), dbSNP rs371911345, ClinGen allele CA2794740.